The following is an entry in ClinVar:

NM_001017974.2(P4HA2):c.520C>T (p.Arg174Cys)

Gene: P4HA2 (prolyl 4-hydroxylase subunit alpha 2; minus strand). Cytogenetic location: 5q31.1.
Variant type: single nucleotide variant.
Coding change: c.520C>T on transcript NM_001017974.2 (MANE Select); coding-DNA position 520, C replaced by T.
Protein change: p.Arg174Cys; replaces arginine 174 with cysteine.
Molecular consequence: missense variant.
Genome position (GRCh38, 1-based): chr5:132,210,473, G>A on the plus strand (C>T on the coding strand, the complement: P4HA2 is on the minus strand). VCF-style: chr5-132210473-G-A. GRCh37 (hg19) VCF-style: chr5-131546166-G-A.
Other names: c.520C>T, p.Arg174Cys (NM_001017973.1, NM_001142598.2, NM_001142599.2 and 6 more transcripts); short protein forms R174C.
Identifiers: ClinVar variation 2634815 (VCV002634815.1), dbSNP rs377044728, ClinGen allele CA3402690.
Genomic context (GRCh38, chr5:132,210,473, plus strand): 5'-TTAGCACCTGCTCCATCCACAACACCGTATGATAATAGTCCCCTTCATTGTAGGCCGAGC[G>A]GCCCATCCCAAAGCAGTCATCCACACTCAGCATTGCCTGGTACTTGGTTCCTACAGCAGG-3'
Protein context (NP_001017974.1, residues 164-184): LSVDDCFGMG[Arg174Cys]SAYNEGDYYH

ClinVar aggregate classification (germline): Uncertain significance (1 of 4 stars; one submission).

Conditions:
P4HA2-related disorder. Also called: P4HA2-related condition.

Allele frequency attached by ClinVar (database versions not stated): gnomAD exomes 0.00001; ExAC 0.00002; TOPMed 0.00005; gnomAD 0.00006; ESP Exome Variant Server 0.00008.
gnomAD v4.1: 22 of 1,613,810 alleles (0.0014%); highest among the groups gnomAD compares: African/African-American, 0.025%; no homozygotes.

Submission:

PreventionGenetics, part of Exact Sciences
Classification: Uncertain significance for P4HA2-related condition. Last evaluated: 2023-09-15. Review status: criteria provided, single submitter. Criteria: ACMG Guidelines, 2015. Collection method: clinical testing. Allele origin: germline.
Comment: The P4HA2 c.520C>T variant is predicted to result in the amino acid substitution p.Arg174Cys. To our knowledge, this variant has not been reported in the literature. This variant is reported in 0.012% of alleles in individuals of African descent in gnomAD. At this time, the clinical significance of this variant is uncertain due to the absence of conclusive functional and genetic evidence.